The following is an entry in ClinVar:

ClinVar aggregate classification (germline): Uncertain significance. Review status: criteria provided, multiple submitters, no conflicts (2 of 4 stars). 2 submissions from 2 submitters: Uncertain significance (2). Last evaluated 2024-12-20.

Conditions:
Inborn genetic diseases. Identifiers: MedGen C0950123, MeSH D030342.

Allele frequency attached by ClinVar (database versions not stated): gnomAD exomes below 0.00001.

Submissions (2):

Ambry Genetics
Classification: Uncertain significance for Inborn genetic diseases. Last evaluated: 2024-12-20. Review status: criteria provided, single submitter. Criteria: Ambry Variant Classification Scheme 2023. Collection method: clinical testing. Allele origin: germline.
Comment: The p.V250A variant (also known as c.749T>C), located in coding exon 1 of the SAMD9L gene, results from a T to C substitution at nucleotide position 749. The valine at codon 250 is replaced by alanine, an amino acid with similar properties. This amino acid position is conserved. In addition, this alteration is predicted to be tolerated by in silico analysis. Based on the available evidence, the clinical significance of this variant remains unclear.

Labcorp Genetics (formerly Invitae), Labcorp
Classification: Uncertain significance. Last evaluated: 2022-06-23. Review status: criteria provided, single submitter. Criteria: Invitae Variant Classification Sherloc (09022015). Collection method: clinical testing. Allele origin: germline.
Comment: Algorithms developed to predict the effect of missense changes on protein structure and function are either unavailable or do not agree on the potential impact of this missense change (SIFT: "Not Available"; PolyPhen-2: "Benign"; Align-GVGD: "Not Available"). In summary, the available evidence is currently insufficient to determine the role of this variant in disease. Therefore, it has been classified as a Variant of Uncertain Significance. This variant has not been reported in the literature in individuals affected with SAMD9L-related conditions. This variant is not present in population databases (gnomAD no frequency). This sequence change replaces valine, which is neutral and non-polar, with alanine, which is neutral and non-polar, at codon 250 of the SAMD9L protein (p.Val250Ala).

NM_152703.5(SAMD9L):c.749T>C (p.Val250Ala)

Gene: SAMD9L (sterile alpha motif domain containing 9 like; minus strand). Cytogenetic location: 7q21.2.
Variant type: single nucleotide variant.
Coding change: c.749T>C on transcript NM_152703.5 (MANE Select); coding-DNA position 749, T replaced by C.
Protein change: p.Val250Ala; replaces valine 250 with alanine.
Molecular consequence: missense variant.
Genome position (GRCh38, 1-based): chr7:93,135,223, A>G on the plus strand (T>C on the coding strand, the complement: SAMD9L is on the minus strand). VCF-style: chr7-93135223-A-G. GRCh37 (hg19) VCF-style: chr7-92764536-A-G.
Other names: c.749T>C, p.Val250Ala (NM_001303496.3, NM_001303497.3, NM_001303498.3 and 5 more transcripts); c.749T>C (NM_152703.2); short protein forms V250A.
Identifiers: ClinVar variation 1977496 (VCV001977496.6), dbSNP rs2535434416, ClinGen allele CA368201129.